The following is an entry in ClinVar:

ClinVar aggregate classification (germline): Pathogenic (1 of 4 stars; one submission).

Conditions:
Marfan syndrome (MFS). Also called: MARFAN SYNDROME, TYPE I; Marfan syndrome type 1; Marfan's syndrome; Marfan syndrome, classic; FBN1-Related Marfan Syndrome. Identifiers: Orphanet 284963, Orphanet 558, MedGen C0024796, MONDO:0007947, OMIM 154700.
Familial thoracic aortic aneurysm and aortic dissection (TAAD). Also called: Thoracic aortic aneurysms and dissections. Identifiers: Orphanet 91387, MedGen C4707243, MONDO:0019625.

Submission:

Labcorp Genetics (formerly Invitae), Labcorp
Classification: Pathogenic for Marfan syndrome; Familial thoracic aortic aneurysm and aortic dissection. Last evaluated: 2023-09-04. Review status: criteria provided, single submitter. Criteria: Invitae Variant Classification Sherloc (09022015). Collection method: clinical testing. Allele origin: unknown.
Comment: This variant is a gross deletion of the genomic region encompassing exon(s) 54-55 of the FBN1 gene. This variant would be expected to be in-frame, preserving the integrity of the reading frame. This variant has not been reported in the literature in individuals affected with FBN1-related conditions. This variant affects a cysteine residue in the EGF-like, TGFBP or hybrid motif domains of FBN1. Cysteine residues are believed to be involved in intramolecular disulfide bridges and have been shown to be important for FBN1 protein structure (PMID: 16905551, 19349279). In addition, missense substitutions affecting cysteine residues within these domains are significantly overrepresented among patients with Marfan syndrome (PMID: 16571647, 17701892). For these reasons, this variant has been classified as Pathogenic.

Literature cited by the submitters: PubMed 16905551; PubMed 19349279; PubMed 16571647; PubMed 17701892.

NC_000015.9:g.(?_48725043)_(48726930_?)del

Gene: FBN1 (fibrillin 1; minus strand). Cytogenetic location: 15q21.1.
Variant type: Deletion.
Identifiers: ClinVar variation 3243729 (VCV003243729.1).